The following is an entry in ClinVar:

NM_170784.3(MKKS):c.160G>A (p.Val54Met)

Gene: MKKS (MKKS centrosomal shuttling protein; minus strand). Cytogenetic location: 20p12.2.
Variant type: single nucleotide variant.
Coding change: c.160G>A on transcript NM_170784.3 (MANE Select); coding-DNA position 160, G replaced by A.
Protein change: p.Val54Met; replaces valine 54 with methionine.
Molecular consequence: missense variant.
Genome position (GRCh38, 1-based): chr20:10,413,355, C>T on the plus strand (G>A on the coding strand, the complement: MKKS is on the minus strand). VCF-style: chr20-10413355-C-T. GRCh37 (hg19) VCF-style: chr20-10394003-C-T.
Other names: c.160G>A, p.Val54Met (NM_018848.3); short protein forms V54M.
Identifiers: ClinVar variation 3032186 (VCV003032186.3), dbSNP rs150671263, ClinGen allele CA9763729.

ClinVar aggregate classification (germline): Uncertain significance. Review status: criteria provided, single submitter (1 of 4 stars). 2 submissions from 2 submitters: Uncertain significance (1). 1 of the submissions does not count toward it. Last evaluated 2024-02-16.

Conditions:
Bardet-Biedl syndrome 6 (BBS6). Identifiers: Orphanet 110, MedGen C1858054, MONDO:0011523, OMIM 605231.
McKusick-Kaufman syndrome (MKKS). Also called: HYDROMETROCOLPOS SYNDROME; HYDROMETROCOLPOS, POSTAXIAL POLYDACTYLY, AND CONGENITAL HEART MALFORMATION. Identifiers: Orphanet 2473, MedGen C0948368, MONDO:0009367, OMIM 236700.
MKKS-related disorder. Also called: MKKS-related condition; MKKS-related disorders.

Allele frequency attached by ClinVar (database versions not stated): gnomAD exomes below 0.00001; ExAC 0.00001; TOPMed 0.00001; gnomAD 0.00002; ESP Exome Variant Server 0.00008.
gnomAD v4.1: 9 of 1,613,824 alleles (0.00056%); highest among the groups gnomAD compares: African/African-American, 0.004%; no homozygotes.

Submissions (2):

Fulgent Genetics
Classification: Uncertain significance for McKusick-Kaufman syndrome; Bardet-Biedl syndrome 6. Last evaluated: 2024-02-16. Review status: criteria provided, single submitter. Criteria: ACMG Guidelines, 2015. Collection method: clinical testing. Allele origin: germline.

PreventionGenetics, part of Exact Sciences
Classification: Uncertain significance for MKKS-related condition. Last evaluated: 2024-09-24. Review status: no assertion criteria provided. Collection method: clinical testing. Allele origin: germline. Not counted in ClinVar's aggregate classification.
Comment: The MKKS c.160G>A variant is predicted to result in the amino acid substitution p.Val54Met. To our knowledge, this variant has not been reported in the literature. This variant is reported in 0.00088% of alleles in individuals of European (Non-Finnish) descent in gnomAD. At this time, the clinical significance of this variant is uncertain due to the absence of conclusive functional and genetic evidence.